The following is an entry in ClinVar:

ClinVar aggregate classification (germline): Uncertain significance (1 of 4 stars; one submission).

gnomAD v4.1: 5 of 1,611,128 alleles (0.00031%); highest among the groups gnomAD compares: African/African-American, 0.0067%; no homozygotes.

Submission:

Women's Health and Genetics/Laboratory Corporation of America, LabCorp
Classification: Uncertain significance. Last evaluated: 2026-03-04. Review status: criteria provided, single submitter. Criteria: LabCorp Variant Classification Summary - May 2015. Collection method: clinical testing. Allele origin: germline.
Comment: Variant summary: GLI2 c.3156C>G (p.Asp1052Glu) results in a conservative amino acid change in the encoded protein sequence. Algorithms developed to predict the effect of missense changes on protein structure and function all suggest that this variant is likely to be tolerated. The variant allele was found at a frequency of 8.4e-06 in 238322 control chromosomes. The available data on variant occurrences in the general population are insufficient to allow any conclusion about variant significance. To our knowledge, no occurrence of c.3156C>G in individuals affected with GLI2-related conditions and no experimental evidence demonstrating its impact on protein function have been reported. No submitters have cited clinical-significance assessments for this variant to ClinVar. Based on the evidence outlined above, the variant was classified as uncertain significance.

NM_001374353.1(GLI2):c.3105C>G (p.Asp1035Glu)

Gene: GLI2 (GLI family zinc finger 2; plus strand). Cytogenetic location: 2q14.2.
Variant type: single nucleotide variant.
Coding change: c.3105C>G on transcript NM_001374353.1 (MANE Select); coding-DNA position 3105, C replaced by G.
Protein change: p.Asp1035Glu; replaces aspartic acid 1035 with glutamic acid.
Molecular consequence: missense variant.
Genome position (GRCh38, 1-based): chr2:120,989,070, C>G. VCF-style: chr2-120989070-C-G. GRCh37 (hg19) VCF-style: chr2-121746646-C-G.
Other names: c.3156C>G, p.Asp1052Glu (NM_001371271.1, NM_005270.5); c.2730C>G, p.Asp910Glu (NM_001374354.1); short protein forms D1035E, D1052E, D910E.
Identifiers: ClinVar variation 4847492 (VCV004847492.1).